The following is an entry in ClinVar:

NM_000135.4(FANCA):c.2834C>A (p.Ala945Asp)

Gene: FANCA (FA complementation group A; minus strand). Cytogenetic location: 16q24.3.
Variant type: single nucleotide variant.
Coding change: c.2834C>A on transcript NM_000135.4 (MANE Select); coding-DNA position 2834, C replaced by A.
Protein change: p.Ala945Asp; replaces alanine 945 with aspartic acid.
Molecular consequence: missense variant.
Genome position (GRCh38, 1-based): chr16:89,761,967, G>T on the plus strand (C>A on the coding strand, the complement: FANCA is on the minus strand). VCF-style: chr16-89761967-G-T. GRCh37 (hg19) VCF-style: chr16-89828375-G-T.
Other names: c.2834C>A, p.Ala945Asp (NM_001286167.3); short protein forms A945D.
Identifiers: ClinVar variation 3848271 (VCV003848271.1).

ClinVar aggregate classification (germline): Uncertain significance (1 of 4 stars; one submission).

Conditions:
Inborn genetic diseases. Identifiers: MedGen C0950123, MeSH D030342.

gnomAD v4.1: 1 of 1,613,950 alleles (0.000062%); highest among the groups gnomAD compares: South Asian, 0.0011%; no homozygotes.

Submission:

Ambry Genetics
Classification: Uncertain significance for Inborn genetic diseases. Last evaluated: 2025-02-27. Review status: criteria provided, single submitter. Criteria: Ambry Variant Classification Scheme 2023. Collection method: clinical testing. Allele origin: germline.
Comment: The p.A945D variant (also known as c.2834C>A), located in coding exon 29 of the FANCA gene, results from a C to A substitution at nucleotide position 2834. The alanine at codon 945 is replaced by aspartic acid, an amino acid with dissimilar properties. This amino acid position is conserved. In addition, this alteration is predicted to be tolerated by in silico analysis. Based on the available evidence, the clinical significance of this variant remains unclear.